The following is an entry in ClinVar:

ClinVar aggregate classification (germline): Uncertain significance. Review status: criteria provided, multiple submitters, no conflicts (2 of 4 stars). 2 submissions from 2 submitters: Uncertain significance (2). Last evaluated 2020-12-09.

Conditions:
Ataxia-telangiectasia-like disorder (ATLD). Identifiers: MedGen C1858391, MONDO:0011457.
Hereditary cancer-predisposing syndrome. Also called: Neoplastic Syndromes, Hereditary; Tumor predisposition; Hereditary Cancer Syndrome; Hereditary neoplastic syndrome. Identifiers: Orphanet 140162, MedGen C0027672, MeSH D009386, MONDO:0015356.

Allele frequency attached by ClinVar (database versions not stated): gnomAD exomes below 0.00001.
gnomAD v4.1: 2 of 1,613,242 alleles (0.00012%); highest among the groups gnomAD compares: Non-Finnish European, 0.00017%; no homozygotes.

Submissions (2):

Labcorp Genetics (formerly Invitae), Labcorp
Classification: Uncertain significance for Ataxia-telangiectasia-like disorder. Last evaluated: 2020-12-09. Review status: criteria provided, single submitter. Criteria: Invitae Variant Classification Sherloc (09022015). Collection method: clinical testing. Allele origin: germline.
Comment: In summary, the available evidence is currently insufficient to determine the role of this variant in disease. Therefore, it has been classified as a Variant of Uncertain Significance. Algorithms developed to predict the effect of missense changes on protein structure and function (SIFT, PolyPhen-2, Align-GVGD) all suggest that this variant is likely to be tolerated, but these predictions have not been confirmed by published functional studies and their clinical significance is uncertain. This variant has not been reported in the literature in individuals with MRE11-related conditions. ClinVar contains an entry for this variant (Variation ID: 141705). This variant is not present in population databases (ExAC no frequency). This sequence change replaces glycine with cysteine at codon 598 of the MRE11 protein (p.Gly598Cys). The glycine residue is moderately conserved and there is a large physicochemical difference between glycine and cysteine.

Ambry Genetics
Classification: Uncertain significance for Hereditary cancer-predisposing syndrome. Last evaluated: 2014-03-10. Review status: criteria provided, single submitter. Criteria: Ambry Autosomal Dominant and X-Linked criteria (10/2015). Collection method: clinical testing. Allele origin: germline. Observed: 1 variant allele.
Comment: The p.G598C variant (also known as c.1792G>T), located in coding exon 15 of the MRE11A gene, results from a G to T substitution at nucleotide position 1792. The glycine at codon 598 is replaced by cysteine, an amino acid with highly dissimilar properties. This variant was not reported in population based cohorts in the following databases: Database of Single Nucleotide Polymorphisms (dbSNP), NHLBI Exome Sequencing Project (ESP), and 1000 Genomes Project.To date, this alteration has been detected with an allele frequency of approximately 0.01% (greater than 9500 alleles tested) in our clinical cohort (includes this individual). Based on protein sequence alignment, thisamino acid position is not well conserved in available vertebrate species. In addition, this alteration is predicted to be tolerated by in silico analysis.Since supporting evidence is limited at this time, the clinical significance ofp.G598Cremains unclear.

NM_005591.4(MRE11):c.1792G>T (p.Gly598Cys)

Gene: MRE11 (MRE11 double strand break repair nuclease; minus strand). Cytogenetic location: 11q21.
Variant type: single nucleotide variant.
Coding change: c.1792G>T on transcript NM_005591.4 (MANE Select); coding-DNA position 1792, G replaced by T.
Protein change: p.Gly598Cys; replaces glycine 598 with cysteine.
Molecular consequence: missense variant. On other transcripts: intron variant (1).
Genome position (GRCh38, 1-based): chr11:94,445,885, C>A on the plus strand (G>T on the coding strand, the complement: MRE11 is on the minus strand). VCF-style: chr11-94445885-C-A. GRCh37 (hg19) VCF-style: chr11-94179051-C-A.
Other names: c.1789G>T, p.Gly597Cys (NM_001330347.2); c.1783+1334G>T (NM_005590.4); short protein forms G598C, G597C.
Identifiers: ClinVar variation 141705 (VCV000141705.11), dbSNP rs587781951, ClinGen allele CA166180.
Genomic context (GRCh38, chr11:94,445,885, plus strand): 5'-TATTTCTAGATGCTGACACAGCAGTCTTTGAGTTCCTGCTACGGGTAGAAGTCTCCAGAC[C>A]AGTGTCTGCTGTTAGAAAAATGAACAGTCAATGTACAAGCCTATCAGCAGCTAAGGTTTA-3'
Protein context (NP_005582.1, residues 588-608): GGSQRGRADT[Gly598Cys]LETSTRSRNS